The following is an entry in ClinVar:

ClinVar aggregate classification (germline): Likely pathogenic. Review status: criteria provided, single submitter (1 of 4 stars). 2 submissions from 2 submitters: Likely pathogenic (1). 1 of the submissions does not count toward it. Last evaluated 2024-06-16.

Conditions:
Maple syrup urine disease type 1A (MSUD1A). Also called: MSUD type 1A. Identifiers: MedGen C1855369, MONDO:0023691, OMIM 248600.
Maple syrup urine disease type 1B (MSUD1B). Also called: MSUD type IB; MSUD type 3 (formerly); MSUD due to deficiency of e1-beta subunit of branched-chain alpha-keto acid dehydrogenase complex. Identifiers: MedGen C2930990, MONDO:0023692, OMIM 620698.

Submissions (2):

Natera, Inc.
Classification: Likely pathogenic for Maple syrup urine disease type 1B. Last evaluated: 2024-06-16. Review status: criteria provided, single submitter. Criteria: Natera Variant Classification Schema (03/2026). Collection method: clinical testing. Allele origin: germline.
Comment: The c.599C>T variant in BCKDHB is a missense variant predicted to cause substitution of proline to leucine at amino acid 200. This variant is rare in the general population with a frequency below the threshold expected for the associated phenotype(s). This variant has been observed in one or more individuals affected with the associated recessive disease, as either homozygous or compound heterozygous with a second variant (PMID: 31119508, 24772966). Computational prediction algorithms indicate this variant is likely to affect gene or protein function. Given the available evidence, this variant is classified as Likely Pathogenic.

Counsyl
Classification: Uncertain significance for Maple syrup urine disease type 1A. Last evaluated: 2017-08-22. Review status: no assertion criteria provided. Collection method: clinical testing. Allele origin: unknown. Not counted in ClinVar's aggregate classification.

Literature cited by the submitters: PubMed 31119508 (cited by Natera, Inc.); PubMed 24772966 (cited by Natera, Inc. and Counsyl).

NM_183050.4(BCKDHB):c.599C>T (p.Pro200Leu)

Gene: BCKDHB (branched chain keto acid dehydrogenase E1 subunit beta; plus strand). Cytogenetic location: 6q14.1.
Variant type: single nucleotide variant.
Coding change: c.599C>T on transcript NM_183050.4 (MANE Select); coding-DNA position 599, C replaced by T.
Protein change: p.Pro200Leu; replaces proline 200 with leucine.
Molecular consequence: missense variant. On other transcripts: non-coding transcript variant (1).
Genome position (GRCh38, 1-based): chr6:80,168,996, C>T. VCF-style: chr6-80168996-C-T. GRCh37 (hg19) VCF-style: chr6-80878713-C-T.
Other names: c.599C>T, p.Pro200Leu (NM_000056.5); c.389C>T, p.Pro130Leu (NM_001318975.1); c.599C>T (NM_183050.3); short protein forms P200L, P130L.
Identifiers: ClinVar variation 553513 (VCV000553513.3), dbSNP rs1554189861, ClinGen allele CA364658050.
Genomic context (GRCh38, chr6:80,168,996, plus strand): 5'-TCACTATCCGGTCCCCTTGGGGCTGTGTTGGTCATGGGGCTCTCTATCATTCTCAGAGTC[C>T]TGAAGCATTTTTTGCCCATTGCCCAGGAATCAAGGTATGTTCATTTATGTACTTTATTTG-3'
Protein context (NP_898871.1, residues 190-210): GHGALYHSQS[Pro200Leu]EAFFAHCPGI